The following is an entry in ClinVar:

NC_000023.10:g.(?_22237133)_(22237240_?)del

Gene: PHEX (phosphate regulating endopeptidase X-linked; plus strand). Cytogenetic location: Xp22.11.
Variant type: Deletion.
Identifiers: ClinVar variation 3245934 (VCV003245934.1).

ClinVar aggregate classification (germline): Pathogenic (1 of 4 stars; one submission).

Submission:

Labcorp Genetics (formerly Invitae), Labcorp
Classification: Pathogenic. Last evaluated: 2023-11-19. Review status: criteria provided, single submitter. Criteria: Invitae Variant Classification Sherloc (09022015). Collection method: clinical testing. Allele origin: unknown.
Comment: This variant is a gross deletion of the genomic region encompassing exon(s) 17 of the PHEX gene. This deletion is out-of-frame, and is expected to create a premature termination codon and result in an absent or disrupted protein product. Loss-of-function variants in PHEX are known to be pathogenic (PMID: 9097956, 9106524, 19219621). A similar copy number variant has been observed in individual(s) with hypophosphatemia (PMID: 30682568). For these reasons, this variant has been classified as Pathogenic.

Literature cited by the submitters: PubMed 9097956; PubMed 9106524; PubMed 19219621; PubMed 30682568.